The following is an entry in ClinVar:

ClinVar aggregate classification (germline): Uncertain significance (1 of 4 stars; one submission).

Conditions:
MHC class I deficiency. Identifiers: Orphanet 34592, MedGen C6024714, MONDO:0011476.

Allele frequency attached by ClinVar (database versions not stated): TOPMed below 0.00001.

Submission:

Labcorp Genetics (formerly Invitae), Labcorp
Classification: Uncertain significance for MHC class I deficiency 1. Last evaluated: 2024-01-08. Review status: criteria provided, single submitter. Criteria: Invitae Variant Classification Sherloc (09022015). Collection method: clinical testing. Allele origin: germline.
Comment: This sequence change replaces proline, which is neutral and non-polar, with leucine, which is neutral and non-polar, at codon 749 of the TAP1 protein (p.Pro749Leu). This variant is present in population databases (no rsID available, gnomAD 0.0009%). This variant has not been reported in the literature in individuals affected with TAP1-related conditions. ClinVar contains an entry for this variant (Variation ID: 2145190). An algorithm developed to predict the effect of missense changes on protein structure and function (PolyPhen-2) suggests that this variant is likely to be tolerated. In summary, the available evidence is currently insufficient to determine the role of this variant in disease. Therefore, it has been classified as a Variant of Uncertain Significance.

NM_000593.6(TAP1):c.2066C>T (p.Pro689Leu)

Genes: PSMB8-AS1 (PSMB8 antisense RNA 1; plus strand), TAP1 (transporter 1, ATP binding cassette subfamily B member; minus strand). Cytogenetic location: 6p21.32.
Variant type: single nucleotide variant.
Coding change: c.2066C>T on transcript NM_000593.6 (MANE Select); coding-DNA position 2066, C replaced by T.
Protein change: p.Pro689Leu; replaces proline 689 with leucine.
Molecular consequence: missense variant. On other transcripts: non-coding transcript variant (4).
Genome position (GRCh38, 1-based): chr6:32,845,760, G>A on the plus strand (C>T on the coding strand, the complement: TAP1 is on the minus strand). VCF-style: chr6-32845760-G-A. GRCh37 (hg19) VCF-style: chr6-32813537-G-A.
Other names: c.1463C>T, p.Pro488Leu (NM_001292022.2); c.2246C>T (NM_000593.5); short protein forms P488L, P689L.
Identifiers: ClinVar variation 2145190 (VCV002145190.5), dbSNP rs1199567167, ClinGen allele CA363590604.
Genomic context (GRCh38, chr6:32,845,760, plus strand): 5'-GCCTGCTCCACCAGGCTGAGGTGCTGGGTGATGAGAAGCACTGAGCGGGAGTACCGCTCA[G>A]GGCTTTCGTACAGGAGCTGCTCCACCTGAGGAAAGACATCGGACCGTCAGAGCCGGGGAC-3'
Protein context (NP_000584.3, residues 679-699): LQVEQLLYES[Pro689Leu]ERYSRSVLLI